The following is an entry in ClinVar:

ClinVar aggregate classification (germline): Uncertain significance (1 of 4 stars; one submission).

Submission:

Ambry Genetics
Classification: Uncertain significance. Last evaluated: 2026-08-15. Review status: criteria provided, single submitter. Criteria: Ambry Variant Classification Scheme 2023. Collection method: clinical testing. Allele origin: germline.
Comment: The p.I346F variant (also known as c.1036A>T) is located in coding exon 6 of the GALNT12 gene. The isoleucine at codon 346 is replaced by phenylalanine, an amino acid with highly similar properties. This change occurs in the first base pair of coding exon 6. This amino acid position is conserved. In addition, this alteration is predicted to be deleterious by in silico analysis. Based on the available evidence, the clinical significance of this variant remains unclear.

NM_024642.5(GALNT12):c.1036A>T (p.Ile346Phe)

Gene: GALNT12 (polypeptide N-acetylgalactosaminyltransferase 12; plus strand). Cytogenetic location: 9q22.33.
Variant type: single nucleotide variant.
Coding change: c.1036A>T on transcript NM_024642.5 (MANE Select); coding-DNA position 1036, A replaced by T.
Protein change: p.Ile346Phe; replaces isoleucine 346 with phenylalanine.
Molecular consequence: missense variant.
Genome position (GRCh38, 1-based): chr9:98,836,972, A>T. VCF-style: chr9-98836972-A-T. GRCh37 (hg19) VCF-style: chr9-101599254-A-T.
Other names: short protein forms I346F.
Identifiers: ClinVar variation 5022126 (VCV005022126.1).